The following is an entry in ClinVar:

ClinVar aggregate classification (germline): Uncertain significance (1 of 4 stars; one submission).

gnomAD v4.1: 2 of 1,613,638 alleles (0.00012%); highest among the groups gnomAD compares: Non-Finnish European, 0.00017%; no homozygotes.

Submission:

Labcorp Genetics (formerly Invitae), Labcorp
Classification: Uncertain significance. Last evaluated: 2024-10-14. Review status: criteria provided, single submitter. Criteria: Invitae Variant Classification Sherloc (09022015). Collection method: clinical testing. Allele origin: germline.
Comment: This sequence change replaces arginine, which is basic and polar, with cysteine, which is neutral and slightly polar, at codon 117 of the MAST1 protein (p.Arg117Cys). This variant is not present in population databases (gnomAD no frequency). This variant has not been reported in the literature in individuals affected with MAST1-related conditions. An algorithm developed to predict the effect of missense changes on protein structure and function (PolyPhen-2) suggests that this variant is likely to be disruptive. In summary, the available evidence is currently insufficient to determine the role of this variant in disease. Therefore, it has been classified as a Variant of Uncertain Significance.

NM_014975.3(MAST1):c.349C>T (p.Arg117Cys)

Gene: MAST1 (microtubule associated serine/threonine kinase 1; plus strand). Cytogenetic location: 19p13.13.
Variant type: single nucleotide variant.
Coding change: c.349C>T on transcript NM_014975.3 (MANE Select); coding-DNA position 349, C replaced by T.
Protein change: p.Arg117Cys; replaces arginine 117 with cysteine.
Molecular consequence: missense variant.
Genome position (GRCh38, 1-based): chr19:12,847,311, C>T. VCF-style: chr19-12847311-C-T. GRCh37 (hg19) VCF-style: chr19-12958125-C-T.
Other names: short protein forms R117C.
Identifiers: ClinVar variation 3686222 (VCV003686222.2).
Genomic context (GRCh38, chr19:12,847,311, plus strand): 5'-CCATGGTGGCTCTGACCCCGGCCCTGCCCCTGTCCCCAGTCCTCCTGCTCCTCCCAGGAG[C>T]GCCTTCACCAGCTGCCCTACCAGCCCACGGTGGACGAGCTCCACTTCCTCTCCAAACACT-3'
Protein context (NP_055790.1, residues 107-127): TVSSSCSSQE[Arg117Cys]LHQLPYQPTV